The following is an entry in ClinVar:

ClinVar aggregate classification (germline): Benign/Likely benign. Review status: criteria provided, multiple submitters, no conflicts (2 of 4 stars). 4 submissions from 4 submitters: Benign (1); Likely benign (3). Last evaluated 2025-12-11.

Conditions:
DMXL2-related disorder. Also called: DMXL2-related condition.
Inborn genetic diseases. Identifiers: MedGen C0950123, MeSH D030342.

Allele frequency attached by ClinVar (database versions not stated): gnomAD 0.00001 and 0.00014; TOPMed 0.00003; 1000 Genomes Project 30x 0.00078; 1000 Genomes Project 0.00100.
gnomAD v4.1: 316 of 1,609,632 alleles (0.02%); highest among the groups gnomAD compares: South Asian, 0.32%; 2 homozygotes.

Submissions (4):

PreventionGenetics, part of Exact Sciences
Classification: Likely benign for DMXL2-related condition. Last evaluated: 2025-12-11. Review status: criteria provided, single submitter. Criteria: ACMG Guidelines, 2015. Collection method: clinical testing. Allele origin: germline.
Comment: This variant is classified as likely benign based on ACMG/AMP sequence variant interpretation guidelines (Richards et al. 2015 PMID: 25741868, with internal and published modifications).

Labcorp Genetics (formerly Invitae), Labcorp
Classification: Benign. Last evaluated: 2025-03-17. Review status: criteria provided, single submitter. Criteria: Invitae Variant Classification Sherloc (09022015). Collection method: clinical testing. Allele origin: germline.

Blueprint Genetics
Classification: Likely benign. Last evaluated: 2024-06-28. Review status: criteria provided, single submitter. Criteria: ACMG Guidelines, 2015. Collection method: clinical testing. Allele origin: germline.

Ambry Genetics
Classification: Likely benign for Inborn genetic diseases. Last evaluated: 2022-05-11. Review status: criteria provided, single submitter. Criteria: Ambry Variant Classification Scheme 2023. Collection method: clinical testing. Allele origin: germline.

NM_001378457.1(DMXL2):c.7190G>A (p.Arg2397Gln)

Gene: DMXL2 (Dmx like 2; minus strand). Cytogenetic location: 15q21.2.
Variant type: single nucleotide variant.
Coding change: c.7190G>A on transcript NM_001378457.1 (MANE Select); coding-DNA position 7190, G replaced by A.
Protein change: p.Arg2397Gln; replaces arginine 2397 with glutamine.
Molecular consequence: missense variant. On other transcripts: non-coding transcript variant (2).
Genome position (GRCh38, 1-based): chr15:51,474,367, C>T on the plus strand (G>A on the coding strand, the complement: DMXL2 is on the minus strand). VCF-style: chr15-51474367-C-T. GRCh37 (hg19) VCF-style: chr15-51766564-C-T.
Other names: c.7190G>A (NM_001174116.1); c.7187G>A, p.Arg2396Gln (NM_001378462.1, NM_015263.5, NM_001378458.1); c.7190G>A, p.Arg2397Gln (NM_001378463.1, NM_001174116.3, NM_001378459.1 and 1 more transcripts); c.6947G>A, p.Arg2316Gln (NM_001378464.1); c.5279G>A, p.Arg1760Gln (NM_001174117.3); c.5168G>A, p.Arg1723Gln (NM_001378460.1); short protein forms R1723Q, R1760Q, R2316Q, R2396Q, R2397Q.
Identifiers: ClinVar variation 1600820 (VCV001600820.11), dbSNP rs202019976, ClinGen allele CA7561409.